The following is an entry in ClinVar:

NM_001371986.1(UNC80):c.6851C>T (p.Ala2284Val)

Gene: UNC80 (unc-80 subunit of NALCN channel complex; plus strand). Cytogenetic location: 2q34.
Variant type: single nucleotide variant.
Coding change: c.6851C>T on transcript NM_001371986.1 (MANE Select); coding-DNA position 6851, C replaced by T.
Protein change: p.Ala2284Val; replaces alanine 2284 with valine.
Molecular consequence: missense variant.
Genome position (GRCh38, 1-based): chr2:209,941,425, C>T. VCF-style: chr2-209941425-C-T. GRCh37 (hg19) VCF-style: chr2-210806149-C-T.
Other names: c.6653C>T (NM_032504.1); c.6653C>T, p.Ala2218Val (NM_032504.2); c.6638C>T, p.Ala2213Val (NM_182587.4); short protein forms A2218V, A2213V, A2284V.
Identifiers: ClinVar variation 1374229 (VCV001374229.8), dbSNP rs760142924, ClinGen allele CA2083419.
Genomic context (GRCh38, chr2:209,941,425, plus strand): 5'-TCCTCCACCCGGAAGACAGTGCCCTGCTCAGGCAGTATGCTGCCACCGTCATCAACACCG[C>T]GGTGCACTTCAACCACCTCTTCTCTCTCAGCGGCTACCAGTGGATTCTCCCCACCATGCT-3'
Protein context (NP_001358915.1, residues 2274-2294): RQYAATVINT[Ala2284Val]VHFNHLFSLS

ClinVar aggregate classification (germline): Uncertain significance. Review status: criteria provided, multiple submitters, no conflicts (2 of 4 stars). 3 submissions from 3 submitters: Uncertain significance (3). Last evaluated 2026-08-27.

Conditions:
Inborn genetic diseases. Identifiers: MedGen C0950123, MeSH D030342.

Allele frequency attached by ClinVar (database versions not stated): gnomAD exomes 0.00003; ExAC 0.00005; gnomAD 0.00001; TOPMed 0.00002.
gnomAD v4.1: 34 of 1,548,174 alleles (0.0022%); highest among the groups gnomAD compares: East Asian, 0.012%; no homozygotes.

Submissions (3):

GeneDx
Classification: Uncertain significance. Last evaluated: 2026-08-27. Review status: criteria provided, single submitter. Criteria: GeneDx Variant Classification Process June 2021. Collection method: clinical testing. Allele origin: germline.
Comment: In silico analysis supports that this missense variant has a deleterious effect on protein structure/function; Has not been previously published as pathogenic or benign to our knowledge

Ambry Genetics
Classification: Uncertain significance for Inborn genetic diseases. Last evaluated: 2024-01-31. Review status: criteria provided, single submitter. Criteria: Ambry Variant Classification Scheme 2023. Collection method: clinical testing. Allele origin: germline.

Labcorp Genetics (formerly Invitae), Labcorp
Classification: Uncertain significance. Last evaluated: 2022-10-13. Review status: criteria provided, single submitter. Criteria: Invitae Variant Classification Sherloc (09022015). Collection method: clinical testing. Allele origin: germline.
Comment: This sequence change replaces alanine, which is neutral and non-polar, with valine, which is neutral and non-polar, at codon 2218 of the UNC80 protein (p.Ala2218Val). In summary, the available evidence is currently insufficient to determine the role of this variant in disease. Therefore, it has been classified as a Variant of Uncertain Significance. Advanced modeling of protein sequence and biophysical properties (such as structural, functional, and spatial information, amino acid conservation, physicochemical variation, residue mobility, and thermodynamic stability) performed at Invitae indicates that this missense variant is not expected to disrupt UNC80 protein function. ClinVar contains an entry for this variant (Variation ID: 1374229). This variant has not been reported in the literature in individuals affected with UNC80-related conditions. This variant is present in population databases (rs760142924, gnomAD 0.03%).